The following is an entry in ClinVar:

ClinVar aggregate classification (germline): Uncertain significance (1 of 4 stars; one submission).

Conditions:
Charcot-Marie-Tooth disease type 2. Also called: Charcot-Marie-Tooth type 2. Identifiers: Orphanet 64746, MedGen C0270914, MONDO:0018993.

Allele frequency attached by ClinVar (database versions not stated): gnomAD exomes 0.00001.
gnomAD v4.1: 19 of 1,614,012 alleles (0.0012%); highest among the groups gnomAD compares: Non-Finnish European, 0.0016%; no homozygotes.

Submission:

Labcorp Genetics (formerly Invitae), Labcorp
Classification: Uncertain significance for Charcot-Marie-Tooth disease type 2. Last evaluated: 2025-03-25. Review status: criteria provided, single submitter. Criteria: Invitae Variant Classification Sherloc (09022015). Collection method: clinical testing. Allele origin: germline.
Comment: This sequence change replaces glycine, which is neutral and non-polar, with aspartic acid, which is acidic and polar, at codon 169 of the AARS protein (p.Gly169Asp). This variant is present in population databases (no rsID available, gnomAD 0.002%). This variant has not been reported in the literature in individuals affected with AARS-related conditions. ClinVar contains an entry for this variant (Variation ID: 1682303). Invitae Evidence Modeling of protein sequence and biophysical properties (such as structural, functional, and spatial information, amino acid conservation, physicochemical variation, residue mobility, and thermodynamic stability) indicates that this missense variant is not expected to disrupt AARS protein function with a negative predictive value of 80%. In summary, the available evidence is currently insufficient to determine the role of this variant in disease. Therefore, it has been classified as a Variant of Uncertain Significance.

NM_001605.3(AARS1):c.506G>A (p.Gly169Asp)

Gene: AARS1 (alanyl-tRNA synthetase 1; minus strand). Cytogenetic location: 16q22.1.
Variant type: single nucleotide variant.
Coding change: c.506G>A on transcript NM_001605.3 (MANE Select); coding-DNA position 506, G replaced by A.
Protein change: p.Gly169Asp; replaces glycine 169 with aspartic acid.
Molecular consequence: missense variant.
Genome position (GRCh38, 1-based): chr16:70,271,946, C>T on the plus strand (G>A on the coding strand, the complement: AARS1 is on the minus strand). VCF-style: chr16-70271946-C-T. GRCh37 (hg19) VCF-style: chr16-70305849-C-T.
Other names: short protein forms G169D.
Identifiers: ClinVar variation 1682303 (VCV001682303.8), dbSNP rs1362856733, ClinGen allele CA396567035.
Genomic context (GRCh38, chr16:70,271,946, plus strand): 5'-TCACTGCAAGGACCACAGGGGCCCGTGTCACCCATCTCCCAGAAGTTATCCTTCATGTTG[C>T]CTGGGAGGATTTTGGTGTCATCCAGCCTGACAAAGGAGTAAAGATAAGTCCAGTTACAGC-3'
Protein context (NP_001596.2, residues 159-179): LGLDDTKILP[Gly169Asp]NMKDNFWEMG